The following is an entry in ClinVar:

ClinVar aggregate classification (germline): Pathogenic. Review status: criteria provided, multiple submitters, no conflicts (2 of 4 stars). 5 submissions from 5 submitters: Pathogenic (5). Last evaluated 2026-07-30.

Conditions:
Combined immunodeficiency with skin granulomas. Identifiers: Orphanet 157949, MedGen C2673536, MONDO:0009306, OMIM 233650.
Recombinase activating gene 2 deficiency. Also called: RAG2 deficiency. Identifiers: MedGen CN257931, MONDO:0000573.
Severe combined immunodeficiency, autosomal recessive, T cell-negative, B cell-negative, NK cell-positive. Also called: SCID, AR, T-cell negative, B-cell negative, NK cell-positive; SCID, T CELL-NEGATIVE, B CELL-NEGATIVE, NK CELL-POSITIVE; Severe combined immunodeficiency due to complete RAG1/2 deficiency. Identifiers: Orphanet 331206, MedGen C1832322, MONDO:0011086, OMIM 601457.
Histiocytic medullary reticulosis. Also called: SEVERE COMBINED IMMUNODEFICIENCY WITH HYPEREOSINOPHILIA; Omenn syndrome. Identifiers: Orphanet 39041, MedGen C2700553, MONDO:0011338, OMIM 603554.

Allele frequency attached by ClinVar (database versions not stated): gnomAD 0.00001; gnomAD exomes 0.00001; TOPMed 0.00001.
gnomAD v4.1: 13 of 1,613,984 alleles (0.00081%); highest among the groups gnomAD compares: Non-Finnish European, 0.001%; no homozygotes.

Submissions (5):

Myriad Genetics, Inc.
Classification: Pathogenic for Recombinase activating gene 2 deficiency. Last evaluated: 2026-07-30. Review status: criteria provided, single submitter. Criteria: Myriad Autosomal Dominant, Autosomal Recessive and X-Linked Classification Criteria (2023). Collection method: clinical testing. Allele origin: unknown.
Comment: NM_001243785.1(RAG2):c.442C>T(R148*) is a nonsense variant classified as pathogenic in the context of severe combined immunodeficiency, RAG2-related. R148* has been observed in cases with relevant disease (PMID: 28600779, 11133745). Relevant functional assessments of this variant are not available in the literature. R148* has not been observed in referenced population frequency databases. In summary, NM_001243785.1(RAG2):c.442C>T(R148*) is a nonsense variant in a gene where loss of function is a known mechanism of disease, is predicted to disrupt protein function, and has been observed more frequently in cases with the relevant disease than in healthy populations. Please note: this variant was assessed in the context of healthy population screening.

CeGaT Center for Human Genetics Tuebingen
Classification: Pathogenic. Last evaluated: 2025-08-01. Review status: criteria provided, single submitter. Criteria: CeGaT Center For Human Genetics Tuebingen Variant Classification Criteria Version 2. Collection method: clinical testing. Allele origin: germline. Affected: yes. Observed: 2 variant alleles.
Comment: RAG2: PM3:Strong, PVS1:Strong, PM2

Natera, Inc.
Classification: Pathogenic for Omenn syndrome. Last evaluated: 2024-11-12. Review status: criteria provided, single submitter. Criteria: Natera Variant Classification Schema (03/2026). Collection method: clinical testing. Allele origin: germline.
Comment: The c.442C>T variant in RAG2 is a nonsense variant predicted to introduce a stop codon at amino acid 148. This variant is expected to result in nonsense mediated decay, truncation, or a dysfunctional protein product. This variant is rare in the general population with a frequency below the threshold expected for the associated phenotype(s). This variant has been observed in one or more individuals affected with the associated recessive disease, as either homozygous or compound heterozygous with a second variant (PMID: 28747913, 30307608, 26915675, 28600779). Additionally, this variant has been observed to segregate in affected family members (PMID: 30307608). Given the available evidence, this variant is classified as Pathogenic.

Labcorp Genetics (formerly Invitae), Labcorp
Classification: Pathogenic for Combined immunodeficiency with skin granulomas; Severe combined immunodeficiency, autosomal recessive, T cell-negative, B cell-negative, NK cell-positive. Last evaluated: 2024-05-14. Review status: criteria provided, single submitter. Criteria: Invitae Variant Classification Sherloc (09022015). Collection method: clinical testing. Allele origin: germline.
Comment: This sequence change creates a premature translational stop signal (p.Arg148*) in the RAG2 gene. While this is not anticipated to result in nonsense mediated decay, it is expected to disrupt the last 380 amino acid(s) of the RAG2 protein. This variant is not present in population databases (gnomAD no frequency). This premature translational stop signal has been observed in individuals with Omenn syndrome and severe combined immunodeficiency (SCID) (PMID: 11133745, 28600779, 30307608). It has also been observed to segregate with disease in related individuals. ClinVar contains an entry for this variant (Variation ID: 1073477). This variant disrupts the p.Arg229 amino acid residue in RAG2. Other variant(s) that disrupt this residue have been determined to be pathogenic (PMID: 11133745, 11313270, 15025726, 16960852, 28747913, 30307608). This suggests that this residue is clinically significant, and that variants that disrupt this residue are likely to be disease-causing. For these reasons, this variant has been classified as Pathogenic.

Baylor Genetics
Classification: Pathogenic for Combined immunodeficiency with skin granulomas. Last evaluated: 2024-03-18. Review status: criteria provided, single submitter. Criteria: ACMG Guidelines, 2015. Collection method: clinical testing. Allele origin: unknown.

Literature cited by the submitters: PubMed 11133745 (cited by Myriad Genetics, Inc. and Labcorp Genetics (formerly Invitae), Labcorp); PubMed 28600779 (cited by 3 submitters); PubMed 28747913 (cited by Natera, Inc. and Labcorp Genetics (formerly Invitae), Labcorp); PubMed 30307608 (cited by Natera, Inc. and Labcorp Genetics (formerly Invitae), Labcorp); PubMed 26915675 (cited by Natera, Inc.); PubMed 11313270 (cited by Labcorp Genetics (formerly Invitae), Labcorp); PubMed 15025726 (cited by Labcorp Genetics (formerly Invitae), Labcorp); PubMed 16960852 (cited by Labcorp Genetics (formerly Invitae), Labcorp).

NM_000536.4(RAG2):c.442C>T (p.Arg148Ter)

Gene: RAG2 (recombination activating 2; minus strand). Cytogenetic location: 11p12.
Variant type: single nucleotide variant.
Coding change: c.442C>T on transcript NM_000536.4 (MANE Select); coding-DNA position 442, C replaced by T.
Protein change: p.Arg148Ter; replaces arginine 148 with a stop codon.
Molecular consequence: nonsense.
Genome position (GRCh38, 1-based): chr11:36,593,727, G>A on the plus strand (C>T on the coding strand, the complement: RAG2 is on the minus strand). VCF-style: chr11-36593727-G-A. GRCh37 (hg19) VCF-style: chr11-36615277-G-A.
Other names: c.442C>T, p.Arg148Ter (NM_001243785.2, NM_001243786.2); c.442C>T (NM_000536.3); short protein forms R148*.
Identifiers: ClinVar variation 1073477 (VCV001073477.34), dbSNP rs1315729938, ClinGen allele CA380143053.